The following is an entry in ClinVar:

NM_006904.7(PRKDC):c.2122G>A (p.Val708Met)

Gene: PRKDC (protein kinase, DNA-activated, catalytic subunit; minus strand). Cytogenetic location: 8q11.21.
Variant type: single nucleotide variant.
Coding change: c.2122G>A on transcript NM_006904.7 (MANE Select); coding-DNA position 2122, G replaced by A.
Protein change: p.Val708Met; replaces valine 708 with methionine.
Molecular consequence: missense variant.
Genome position (GRCh38, 1-based): chr8:47,929,109, C>T on the plus strand (G>A on the coding strand, the complement: PRKDC is on the minus strand). VCF-style: chr8-47929109-C-T. GRCh37 (hg19) VCF-style: chr8-48841669-C-T.
Other names: c.2122G>A, p.Val708Met (NM_001081640.2); short protein forms V708M.
Identifiers: ClinVar variation 2561903 (VCV002561903.2), dbSNP rs2551878467, ClinGen allele CA371163782.
Genomic context (GRCh38, chr8:47,929,109, plus strand): 5'-AAACAGTTCATGATAACACTAAGATAAATCATTTAAAAATTACCTCTTTGCCAAATTTCA[C>T]AAATAAAGCAAAGCAAGAATACTTTTCTGGGTCTTCAGGAGAGTGTTTCAGACTCTTTGG-3'
Protein context (NP_008835.5, residues 698-718): PEKYSCFALF[Val708Met]KFGKEVAVKM

ClinVar aggregate classification (germline): Uncertain significance (1 of 4 stars; one submission).

Submission:

Ambry Genetics
Classification: Uncertain significance. Last evaluated: 2023-03-19. Review status: criteria provided, single submitter. Criteria: Ambry Variant Classification Scheme 2023. Collection method: clinical testing. Allele origin: germline.
Comment: The p.V708M variant (also known as c.2122G>A), located in coding exon 19 of the PRKDC gene, results from a G to A substitution at nucleotide position 2122. The valine at codon 708 is replaced by methionine, an amino acid with highly similar properties. This amino acid position is conserved. In addition, this alteration is predicted to be tolerated by in silico analysis. Since supporting evidence is limited at this time, the clinical significance of this alteration remains unclear.